The following is an entry in ClinVar:

ClinVar aggregate classification (germline): Likely benign (1 of 4 stars; one submission).

Allele frequency attached by ClinVar (database versions not stated): gnomAD exomes 0.00014; ExAC 0.00022; 1000 Genomes Project 0.05631.
gnomAD v4.1: 182 of 1,235,202 alleles (0.015%); highest among the groups gnomAD compares: East Asian, 0.15%; 39 homozygotes.

Submission:

CeGaT Center for Human Genetics Tuebingen
Classification: Likely benign. Last evaluated: 2023-03-01. Review status: criteria provided, single submitter. Criteria: CeGaT Center For Human Genetics Tuebingen Variant Classification Criteria Version 2. Collection method: clinical testing. Allele origin: germline. Affected: yes. Observed: 1 variant allele.
Comment: AHNAK2: BP4, BP7, BS2

NM_138420.4(AHNAK2):c.3705C>T (p.His1235=)

Gene: AHNAK2 (AHNAK nucleoprotein 2; minus strand). Cytogenetic location: 14q32.33.
Variant type: single nucleotide variant.
Coding change: c.3705C>T on transcript NM_138420.4 (MANE Select); coding-DNA position 3705, C replaced by T.
Protein change: p.His1235=; no amino-acid change (histidine 1235 retained).
Molecular consequence: synonymous variant.
Genome position (GRCh38, 1-based): chr14:104,951,746, G>A on the plus strand (C>T on the coding strand, the complement: AHNAK2 is on the minus strand). VCF-style: chr14-104951746-G-A. GRCh37 (hg19) VCF-style: chr14-105418083-G-A.
Other names: c.3405C>T, p.His1135= (NM_001350929.2).
Identifiers: ClinVar variation 2644841 (VCV002644841.24), dbSNP rs370293295, ClinGen allele CA7382829.